The following is an entry in ClinVar:

NM_006383.4(CIB2):c.453G>C (p.Lys151Asn)

Gene: CIB2 (calcium and integrin binding family member 2; minus strand). Cytogenetic location: 15q25.1.
Variant type: single nucleotide variant.
Coding change: c.453G>C on transcript NM_006383.4 (MANE Select); coding-DNA position 453, G replaced by C.
Protein change: p.Lys151Asn; replaces lysine 151 with asparagine.
Molecular consequence: missense variant. On other transcripts: non-coding transcript variant (1).
Genome position (GRCh38, 1-based): chr15:78,105,828, C>G on the plus strand (G>C on the coding strand, the complement: CIB2 is on the minus strand). VCF-style: chr15-78105828-C-G. GRCh37 (hg19) VCF-style: chr15-78398170-C-G.
Other names: c.324G>C, p.Lys108Asn (NM_001271888.2); c.306G>C, p.Lys102Asn (NM_001271889.2); c.468G>C, p.Lys156Asn (NM_001301224.2); c.453G>C (NM_006383.3); short protein forms K102N, K151N, K108N, K156N.
Identifiers: ClinVar variation 1487394 (VCV001487394.7), dbSNP rs747085927, ClinGen allele CA7680167.
Genomic context (GRCh38, chr15:78,105,828, plus strand): 5'-GTCCTCGAAGTCAGCAAAGCCCAGCTTGCCGTCACCGTCCAAGTCAGCCTCCTCAATGAC[C>G]TTGTCGCACACAAGCACCACCTCCTCCTCATCCAGCTCTGACTTAGTGAGCCGGGCCAGC-3'
Protein context (NP_006374.1, residues 141-161): DEEEVVLVCD[Lys151Asn]VIEEADLDGD

ClinVar aggregate classification (germline): Conflicting classifications of pathogenicity. Review status: criteria provided, conflicting classifications (1 of 4 stars). 3 submissions from 3 submitters: Likely pathogenic (1); Uncertain significance (2). Last evaluated 2026-01-28.

Conditions:
CIB2-related disorders.
CIB2-related disorder. Also called: CIB2-related condition.

Allele frequency attached by ClinVar (database versions not stated): gnomAD 0.00001; TOPMed 0.00001; gnomAD exomes 0.00002 and 0.00004; ExAC 0.00007.
gnomAD v4.1: 35 of 1,614,200 alleles (0.0022%); highest among the groups gnomAD compares: Middle Eastern, 0.066%; no homozygotes.

Submissions (3):

PreventionGenetics, part of Exact Sciences
Classification: Uncertain significance for CIB2-related condition. Last evaluated: 2026-01-28. Review status: criteria provided, single submitter. Criteria: ACMG Guidelines, 2015. Collection method: clinical testing. Allele origin: germline.
Comment: The CIB2 c.453G>C variant is predicted to result in the amino acid substitution p.Lys151Asn. To our knowledge, this variant has not been reported in the literature. This variant is reported in 0.036% of alleles in individuals of South Asian descent in gnomAD. At this time, the clinical significance of this variant is uncertain due to the absence of conclusive functional and genetic evidence.

Blueprint Genetics
Classification: Likely pathogenic for CIB2-related disorders. Last evaluated: 2023-03-27. Review status: criteria provided, single submitter. Criteria: ACMG Guidelines, 2015. Collection method: clinical testing. Allele origin: germline. Affected: yes. Observed: 5 variant alleles.

Labcorp Genetics (formerly Invitae), Labcorp
Classification: Uncertain significance. Last evaluated: 2022-09-13. Review status: criteria provided, single submitter. Criteria: Invitae Variant Classification Sherloc (09022015). Collection method: clinical testing. Allele origin: germline.
Comment: This sequence change replaces lysine, which is basic and polar, with asparagine, which is neutral and polar, at codon 151 of the CIB2 protein (p.Lys151Asn). This variant is present in population databases (rs747085927, gnomAD 0.04%). This variant has not been reported in the literature in individuals affected with CIB2-related conditions. ClinVar contains an entry for this variant (Variation ID: 1487394). Algorithms developed to predict the effect of missense changes on protein structure and function are either unavailable or do not agree on the potential impact of this missense change (SIFT: "Not Available"; PolyPhen-2: "Probably Damaging"; Align-GVGD: "Not Available"). In summary, the available evidence is currently insufficient to determine the role of this variant in disease. Therefore, it has been classified as a Variant of Uncertain Significance.